The following is an entry in ClinVar:

NM_018979.4(WNK1):c.3884C>G (p.Ser1295Cys)

Gene: WNK1 (WNK lysine deficient protein kinase 1; plus strand). Cytogenetic location: 12p13.33.
Variant type: single nucleotide variant.
Coding change: c.3884C>G on transcript NM_018979.4 (MANE Select); coding-DNA position 3884, C replaced by G.
Protein change: p.Ser1295Cys; replaces serine 1295 with cysteine.
Molecular consequence: missense variant.
Genome position (GRCh38, 1-based): chr12:884,688, C>G. VCF-style: chr12-884688-C-G. GRCh37 (hg19) VCF-style: chr12-993854-C-G.
Other names: c.4664C>G, p.Ser1555Cys (NM_001184985.2); c.3143C>G, p.Ser1048Cys (NM_014823.3); c.4640C>G, p.Ser1547Cys (NM_213655.5); short protein forms S1295C, S1547C, S1048C, S1555C.
Identifiers: ClinVar variation 582234 (VCV000582234.18), dbSNP rs775050259, ClinGen allele CA6382890.

ClinVar aggregate classification (germline): Uncertain significance. Review status: criteria provided, multiple submitters, no conflicts (2 of 4 stars). 2 submissions from 2 submitters: Uncertain significance (2). Last evaluated 2025-07-01.

Conditions:
Neuropathy, hereditary sensory and autonomic, type 2A (HSAN2A). Also called: WNK1-Related HSAN2 (HSAN2A); ACROOSTEOLYSIS, GIACCAI TYPE; ACROOSTEOLYSIS, NEUROGENIC; MORVAN DISEASE; NEUROPATHY, CONGENITAL SENSORY; NEUROPATHY, HEREDITARY SENSORY RADICULAR, AUTOSOMAL RECESSIVE. Identifiers: Orphanet 970, MedGen C2752089, MONDO:0024309, OMIM 201300.
Pseudohypoaldosteronism type 2C (PHA2C). Also called: Pseudohypoaldosteronism Type IIC. Identifiers: Orphanet 757, Orphanet 88940, MedGen C1840391, MONDO:0013778, OMIM 614492.

Allele frequency attached by ClinVar (database versions not stated): gnomAD exomes below 0.00001; ExAC 0.00001; gnomAD 0.00001.
gnomAD v4.1: 2 of 1,614,076 alleles (0.00012%); highest among the groups gnomAD compares: Non-Finnish European, 0.00017%; no homozygotes.

Submissions (2):

CeGaT Center for Human Genetics Tuebingen
Classification: Uncertain significance. Last evaluated: 2025-07-01. Review status: criteria provided, single submitter. Criteria: CeGaT Center For Human Genetics Tuebingen Variant Classification Criteria Version 2. Collection method: clinical testing. Allele origin: germline. Affected: yes. Observed: 1 variant allele.
Comment: WNK1: PM2

Labcorp Genetics (formerly Invitae), Labcorp
Classification: Uncertain significance for Neuropathy, hereditary sensory and autonomic, type 2A; Pseudohypoaldosteronism type 2C. Last evaluated: 2019-09-22. Review status: criteria provided, single submitter. Criteria: Invitae Variant Classification Sherloc (09022015). Collection method: clinical testing. Allele origin: germline.
Comment: In summary, the available evidence is currently insufficient to determine the role of this variant in disease. Therefore, it has been classified as a Variant of Uncertain Significance. Algorithms developed to predict the effect of missense changes on protein structure and function (SIFT, PolyPhen-2, Align-GVGD) all suggest that this variant is likely to be disruptive, but these predictions have not been confirmed by published functional studies and their clinical significance is uncertain. This variant has not been reported in the literature in individuals with WNK1-related disease. This variant is present in population databases (rs775050259, ExAC 0.001%). This sequence change replaces serine with cysteine at codon 1295 of the WNK1 protein (p.Ser1295Cys). The serine residue is highly conserved and there is a moderate physicochemical difference between serine and cysteine.